The following is an entry in ClinVar:

NC_000011.9:g.(?_5239576)_5247294del

Gene: HBB (hemoglobin subunit beta; minus strand).
Variant type: Deletion.
Identifiers: ClinVar variation 1074559 (VCV001074559.2).

ClinVar aggregate classification (germline): Pathogenic (1 of 4 stars; one submission).

Submission:

Labcorp Genetics (formerly Invitae), Labcorp
Classification: Pathogenic. Last evaluated: 2019-03-23. Review status: criteria provided, single submitter. Criteria: Invitae Variant Classification Sherloc (09022015). Collection method: clinical testing. Allele origin: germline.
Comment: This variant is a gross deletion of the genomic region encompassing a portion of intron 2 and the entire exon 3 of the HBB gene. The 5' boundary is confined to intron 2. The 3' end of this event extends through the termination codon and into the untranslated region of the HBB gene. While this deletion is not anticipated to result in nonsense mediated decay, it is expected to create a truncated protein product or disrupt mRNA translation. A similar exon 3 deletion, commonly known as the 619bp deletion, in the literature has been observed in many individuals affected with beta thalassemia and is considered a common founder mutation in the Indian population although it has been found in affected individuals from other populations (PMID: 2903765, 287080, 7162987, 2064964,¬†27812264). For these reasons, this variant has been classified as Pathogenic.

Literature cited by the submitters: PubMed 2903765; PubMed 287080; PubMed 7162987; PubMed 2064964; PubMed 27812264.